The following is an entry in ClinVar:

ClinVar aggregate classification (germline): Pathogenic (1 of 4 stars; one submission).

Conditions:
Hereditary breast ovarian cancer syndrome. Also called: BRCA1- and BRCA2-Associated Hereditary Breast and Ovarian Cancer; Breast and ovarian cancer; Hereditary breast and ovarian cancer syndrome; Hereditary breast and ovarian cancer syndrome (HBOC); Hereditary breast and/or ovarian cancer syndrome; Hereditary breast and ovarian cancer. Identifiers: Orphanet 145, MedGen C0677776, MeSH D061325, MONDO:0003582. Disease mechanism: loss of function.

Submission:

Labcorp Genetics (formerly Invitae), Labcorp
Classification: Pathogenic for Hereditary breast ovarian cancer syndrome. Last evaluated: 2025-02-19. Review status: criteria provided, single submitter. Criteria: Invitae Variant Classification Sherloc (09022015). Collection method: clinical testing. Allele origin: germline.
Comment: This sequence change creates a premature translational stop signal (p.Cys442Valfs*11) in the BRCA1 gene. It is expected to result in an absent or disrupted protein product. Loss-of-function variants in BRCA1 are known to be pathogenic (PMID: 20104584). This variant is not present in population databases (gnomAD no frequency). This variant has not been reported in the literature in individuals affected with BRCA1-related conditions. For these reasons, this variant has been classified as Pathogenic.

Literature cited by the submitters: PubMed 20104584.

NM_007294.4(BRCA1):c.1324del (p.Cys442fs)

Gene: BRCA1 (BRCA1 DNA repair associated; minus strand). Cytogenetic location: 17q21.31.
Variant type: Deletion.
Coding change: c.1324del on transcript NM_007294.4 (MANE Select); coding-DNA position 1324, one base deleted (T; older notation c.1324delT).
Protein change: p.Cys442fs; shifts the reading frame from cysteine 442.
Molecular consequence: frameshift variant. On other transcripts: intron variant (137).
Genome position (GRCh38, 1-based): chr17:43,094,207, A deleted on the plus strand (T on the coding strand, the reverse complement: BRCA1 is on the minus strand). VCF-style (leftmost placement, unchanged base first): chr17-43094206-CA-C. GRCh37 (hg19) VCF-style: chr17-41246223-CA-C.
Other names: c.1180del, p.Cys394fs (NM_001407848.1, NM_001407849.1, NM_001407943.1 and 20 more transcripts); c.1183del, p.Cys395fs (NM_001407850.1, NM_001407851.1, NM_001407852.1 and 29 more transcripts); c.1111del, p.Cys371fs (NM_001407853.1, NM_001407894.1, NM_001407895.1 and 9 more transcripts); c.1324del, p.Cys442fs (NM_001407854.1, NM_001407858.1, NM_001407859.1 and 30 more transcripts); c.1321del, p.Cys441fs (NM_001407860.1, NM_001407861.1, NM_001407587.1 and 22 more transcripts); c.1123del, p.Cys375fs (NM_001407862.1); c.1201del, p.Cys401fs (NM_001407863.1, NM_001407919.1, NM_001407937.1 and 19 more transcripts); c.1120del, p.Cys374fs (NM_001407874.1, NM_001407875.1); and 40 more; short protein forms C274fs, C315fs, C372fs, C395fs, C442fs, C353fs, C374fs, C400fs.
Identifiers: ClinVar variation 4713244 (VCV004713244.1).